The following is an entry in ClinVar:

NM_018026.4(PACS1):c.650A>G (p.Asn217Ser)

Gene: PACS1 (phosphofurin acidic cluster sorting protein 1; plus strand). Cytogenetic location: 11q13.2.
Variant type: single nucleotide variant.
Coding change: c.650A>G on transcript NM_018026.4 (MANE Select); coding-DNA position 650, A replaced by G.
Protein change: p.Asn217Ser; replaces asparagine 217 with serine.
Molecular consequence: missense variant.
Genome position (GRCh38, 1-based): chr11:66,211,249, A>G. VCF-style: chr11-66211249-A-G. GRCh37 (hg19) VCF-style: chr11-65978720-A-G.
Other names: short protein forms N217S.
Identifiers: ClinVar variation 436132 (VCV000436132.16), dbSNP rs767885129, ClinGen allele CA6116297.

ClinVar aggregate classification (germline): Conflicting classifications of pathogenicity. Review status: criteria provided, conflicting classifications (1 of 4 stars). 6 submissions from 6 submitters: Uncertain significance (2); Benign (1); Likely benign (2). 1 of the submissions does not count toward it. Last evaluated 2025-01-15.

Conditions:
Schuurs-Hoeijmakers syndrome. Also called: PACS1-Related Neurodevelopmental Disorder. Identifiers: Orphanet 329224, MedGen C3554343, MONDO:0014006, OMIM 615009.
PACS1-related disorder. Also called: PACS1-related condition.

Allele frequency attached by ClinVar (database versions not stated): TOPMed below 0.00001; gnomAD 0.00001; gnomAD exomes 0.00001 and 0.00002; ExAC 0.00002.
gnomAD v4.1: 10 of 1,613,458 alleles (0.00062%); highest among the groups gnomAD compares: Admixed American, 0.005%; no homozygotes.

Submissions (6):

Women's Health and Genetics/Laboratory Corporation of America, LabCorp
Classification: Likely benign. Last evaluated: 2025-01-15. Review status: criteria provided, single submitter. Criteria: LabCorp Variant Classification Summary - May 2015. Collection method: clinical testing. Allele origin: germline.
Comment: Variant summary: PACS1 c.650A>G (p.Asn217Ser) results in a conservative amino acid change in the encoded protein sequence. Three of five in-silico tools predict a benign effect of the variant on protein function. The variant allele was found at a frequency of 6.2e-06 in 1613458 control chromosomes. Although this frequency is not significantly higher than estimated for a pathogenic variant in PACS1 causing Schuurs-Hoeijmakers Syndrome, the frequency suggests the variant may be benign in the context of an early-onset autosomal dominant phenotype. To our knowledge, no occurrence of c.650A>G in individuals affected with Schuurs-Hoeijmakers Syndrome and no experimental evidence demonstrating its impact on protein function have been reported. ClinVar contains an entry for this variant (Variation ID: 436132). Based on the evidence outlined above, the variant was classified as likely benign.

Blueprint Genetics
Classification: Likely benign. Last evaluated: 2024-09-11. Review status: criteria provided, single submitter. Criteria: ACMG Guidelines, 2015. Collection method: clinical testing. Allele origin: germline.

Labcorp Genetics (formerly Invitae), Labcorp
Classification: Benign for Schuurs-Hoeijmakers syndrome. Last evaluated: 2024-07-06. Review status: criteria provided, single submitter. Criteria: Invitae Variant Classification Sherloc (09022015). Collection method: clinical testing. Allele origin: germline.

Fulgent Genetics
Classification: Uncertain significance for Schuurs-Hoeijmakers syndrome. Last evaluated: 2022-01-26. Review status: criteria provided, single submitter. Criteria: ACMG Guidelines, 2015. Collection method: clinical testing. Allele origin: unknown.

Genetic Services Laboratory, University of Chicago
Classification: Uncertain significance. Last evaluated: 2015-11-20. Review status: criteria provided, single submitter. Criteria: ACMG Guidelines, 2015. Collection method: clinical testing. Allele origin: germline. Affected: no.

PreventionGenetics, part of Exact Sciences
Classification: Likely benign for PACS1-related condition. Last evaluated: 2023-12-19. Review status: no assertion criteria provided. Collection method: clinical testing. Allele origin: germline. Not counted in ClinVar's aggregate classification.
Comment: This variant is classified as likely benign based on ACMG/AMP sequence variant interpretation guidelines (Richards et al. 2015 PMID: 25741868, with internal and published modifications).